The following is an entry in ClinVar:

ClinVar aggregate classification (germline): Uncertain significance (1 of 4 stars; one submission).

Conditions:
Inborn genetic diseases. Identifiers: MedGen C0950123, MeSH D030342.

Submission:

Ambry Genetics
Classification: Uncertain significance for Inborn genetic diseases. Last evaluated: 2024-12-20. Review status: criteria provided, single submitter. Criteria: Ambry Variant Classification Scheme 2023. Collection method: clinical testing. Allele origin: germline.
Comment: The p.T421I variant (also known as c.1262C>T), located in coding exon 9 of the BMPR2 gene, results from a C to T substitution at nucleotide position 1262. The threonine at codon 421 is replaced by isoleucine, an amino acid with similar properties. This amino acid position is conserved. In addition, the in silico prediction for this alteration is inconclusive. Based on the available evidence, the clinical significance of this variant remains unclear.

NM_001204.7(BMPR2):c.1262C>T (p.Thr421Ile)

Gene: BMPR2 (bone morphogenetic protein receptor type 2; plus strand). Cytogenetic location: 2q33.2.
Variant type: single nucleotide variant.
Coding change: c.1262C>T on transcript NM_001204.7 (MANE Select); coding-DNA position 1262, C replaced by T.
Protein change: p.Thr421Ile; replaces threonine 421 with isoleucine.
Molecular consequence: missense variant.
Genome position (GRCh38, 1-based): chr2:202,532,718, C>T. VCF-style: chr2-202532718-C-T. GRCh37 (hg19) VCF-style: chr2-203397441-C-T.
Other names: short protein forms T421I.
Identifiers: ClinVar variation 3824752 (VCV003824752.1).
Genomic context (GRCh38, chr2:202,532,718, plus strand): 5'-TGAAACAAGTAGACATGTATGCTCTTGGACTAATCTATTGGGAGATATTTATGAGATGTA[C>T]AGACCTCTTCCCAGGTAAAAACTACTGTCAAAAGTTGATATTTTTTGAAGTGAAGCAGTT-3'
Protein context (NP_001195.2, residues 411-431): LIYWEIFMRC[Thr421Ile]DLFPGESVPE